The following is an entry in ClinVar:

NM_001014436.3(DBNL):c.123C>T (p.Arg41=)

Gene: DBNL (drebrin like; plus strand). Cytogenetic location: 7p13.
Variant type: single nucleotide variant.
Coding change: c.123C>T on transcript NM_001014436.3 (MANE Select); coding-DNA position 123, C replaced by T.
Protein change: p.Arg41=; no amino-acid change (arginine 41 retained).
Molecular consequence: synonymous variant. On other transcripts: missense variant (1), intron variant (1).
Genome position (GRCh38, 1-based): chr7:44,050,264, C>T. VCF-style: chr7-44050264-C-T. GRCh37 (hg19) VCF-style: chr7-44089863-C-T.
Other names: c.123C>T, p.Arg41= (NM_001122956.2, NM_001362723.2, NM_014063.7); c.26C>T, p.Ala9Val (NM_001284315.2); c.-57-2603C>T (NM_001284313.2); short protein forms A9V.
Identifiers: ClinVar variation 2657417 (VCV002657417.24), dbSNP rs145680549, ClinGen allele CA4236030.

ClinVar aggregate classification (germline): Likely benign (1 of 4 stars; one submission).

Allele frequency attached by ClinVar (database versions not stated): 1000 Genomes Project 30x 0.00312; ExAC 0.00316; 1000 Genomes Project 0.00319; gnomAD 0.00442; TOPMed 0.00496; ESP Exome Variant Server 0.00500; gnomAD exomes 0.00529.
gnomAD v4.1: 8,377 of 1,613,678 alleles (0.52%); highest among the groups gnomAD compares: Non-Finnish European, 0.6%; 33 homozygotes.

Submission:

CeGaT Center for Human Genetics Tuebingen
Classification: Likely benign. Last evaluated: 2023-01-01. Review status: criteria provided, single submitter. Criteria: CeGaT Center For Human Genetics Tuebingen Variant Classification Criteria Version 2. Collection method: clinical testing. Allele origin: germline. Affected: yes. Observed: 1 variant allele.
Comment: DBNL: BP4, BS2